The following is an entry in ClinVar:

ClinVar aggregate classification (germline): Pathogenic/Likely pathogenic. Review status: criteria provided, multiple submitters, no conflicts (2 of 4 stars). 4 submissions from 4 submitters: Pathogenic (1); Likely pathogenic (3). Last evaluated 2025-06-06.

Conditions:
Malignant hyperthermia, susceptibility to, 1 (MHS1). Also called: Anesthesia related hyperthermia; Malignant hyperpyrexia; Fulminating hyperpyrexia; Pharmacogenic myopathy; RYR1-Related Malignant Hyperthermia Susceptibility; Malignant hyperthermia suceptibility 1. Identifiers: Orphanet 423, MedGen C2930980, MONDO:0007783, OMIM 145600.
Congenital multicore myopathy with external ophthalmoplegia (CMYO1B). Also called: MULTICORE MYOPATHY; Minicore myopathy with external ophthalmoplegia; Congenital myopathy 1B, autosomal recessive; Minicore myopathy; MULTIMINICORE DISEASE WITH EXTERNAL OPHTHALMOPLEGIA. Identifiers: Orphanet 598, Orphanet 98905, MedGen C1850674, MONDO:0009712, OMIM 255320, HP:0003789.
RYR1-related disorder. Also called: RYR1-related condition; RYR1-related disorders. Identifiers: MedGen CN239331.
RYR1-related myopathy. Identifiers: Orphanet 98742, MedGen CN305348, MONDO:0100150.

Allele frequency attached by ClinVar (database versions not stated): gnomAD exomes below 0.00001; TOPMed below 0.00001; gnomAD 0.00001.
gnomAD v4.1: 2 of 1,606,216 alleles (0.00012%); highest among the groups gnomAD compares: Non-Finnish European, 0.00017%; no homozygotes.

Submissions (4):

Variantyx, Inc.
Classification: Pathogenic for Congenital multicore myopathy with external ophthalmoplegia. Last evaluated: 2025-06-06. Review status: criteria provided, single submitter. Criteria: Variantyx Assertion Criteria 2022. Collection method: clinical testing. Allele origin: germline. Inheritance: Autosomal recessive inheritance.
Comment: This is a canonical splicing variant in the RYR1 gene (OMIM: 180901). Pathogenic variants in this gene have been associated with autosomal recessive congenital myopathy 1B. This splicing variant is expected to result in loss of function, which is a known disease mechanism for RYR1 in this disorder (PMID: 20583297, 20839240, 23919265, 28818389) (PVS1). The maximum allele frequency in non-founder control populations of this variant is 0.0005% (PM2). Based on the current evidence, this variant is classified as pathogenic for autosomal recessive congenital myopathy 1B.

Broad Center for Mendelian Genomics, Broad Institute of MIT and Harvard
Classification: Likely pathogenic for RYR1-related myopathy. Last evaluated: 2023-05-02. Review status: criteria provided, single submitter. Criteria: ACMG Guidelines, 2015. Collection method: curation. Allele origin: germline. Inheritance: Autosomal recessive inheritance.
Comment: Trio exome analysis revealed that this variant was in trans with a likely pathogenic variant (ClinVar Variation ID: 642707). The c.46-1G>A variant in RYR1 has not been previously reported in individuals with RYR1-related myopathy but has been identified in 1/68024 (0.001470%) of non-Finnish European chromosomes by by the Genome Aggregation Database (gnomAD; dbSNP ID: rs1238479593). Although this variant has been seen in the general population in a heterozygous state, its frequency is low enough to be consistent with a recessive carrier frequency. This variant has also been reported in ClinVar (Variation ID: 1524261) and has been interpreted as likely pathogenic by Invitae and Laboratorio de Genetica e Diagnostico Molecular, Hospital Israelita Albert Einstein. This variant is located in the 3‚Äô splice region. Computational tools do suggest an impact to splicing. However, this information is not predictive enough to determine pathogenicity. Loss of function of the RYR1 gene is strongly associated to autosomal recessive RYR1-related myopathy. In summary, although additional studies are required to fully establish its clinical significance, this variant is likely pathogenic for autosomal recessive RYR1-related myopathy. ACMG/AMP Criteria applied: PVS1_Strong, PM3, PM2_Supporting (Richards 2015).

Labcorp Genetics (formerly Invitae), Labcorp
Classification: Likely pathogenic for RYR1-related disorder. Last evaluated: 2022-11-01. Review status: criteria provided, single submitter. Criteria: Invitae Variant Classification Sherloc (09022015). Collection method: clinical testing. Allele origin: germline.
Comment: In summary, the currently available evidence indicates that the variant is pathogenic, but additional data are needed to prove that conclusively. Therefore, this variant has been classified as Likely Pathogenic. Algorithms developed to predict the effect of sequence changes on RNA splicing suggest that this variant may disrupt the consensus splice site. ClinVar contains an entry for this variant (Variation ID: 1524261). This variant has not been reported in the literature in individuals affected with RYR1-related conditions. This variant is not present in population databases (gnomAD no frequency). This sequence change affects an acceptor splice site in intron 1 of the RYR1 gene. It is expected to disrupt RNA splicing. Variants that disrupt the donor or acceptor splice site typically lead to a loss of protein function (PMID: 16199547), and loss-of-function variants in RYR1 are known to be pathogenic (PMID: 20583297, 20839240, 23919265, 28818389).

Laboratorio de Genetica e Diagnostico Molecular, Hospital Israelita Albert Einstein
Classification: Likely pathogenic for Malignant hyperthermia, susceptibility to, 1. Last evaluated: 2020-01-22. Review status: criteria provided, single submitter. Criteria: ACMG Guidelines, 2015. Collection method: clinical testing. Allele origin: germline.
Comment: ACMG classification criteria: PVS1, PM2

Literature cited by the submitters: PubMed 20583297 (cited by Variantyx, Inc. and Labcorp Genetics (formerly Invitae), Labcorp); PubMed 20839240 (cited by Variantyx, Inc. and Labcorp Genetics (formerly Invitae), Labcorp); PubMed 23919265 (cited by Variantyx, Inc. and Labcorp Genetics (formerly Invitae), Labcorp); PubMed 28818389 (cited by Variantyx, Inc. and Labcorp Genetics (formerly Invitae), Labcorp); PubMed 16199547 (cited by Labcorp Genetics (formerly Invitae), Labcorp).

NM_000540.3(RYR1):c.46-1G>A

Gene: RYR1 (ryanodine receptor 1; plus strand). Cytogenetic location: 19q13.2.
Variant type: single nucleotide variant.
Coding change: c.46-1G>A on transcript NM_000540.3 (MANE Select); the canonical splice acceptor site of the intron before coding-DNA position 46, G replaced by A.
Molecular consequence: splice acceptor variant.
Genome position (GRCh38, 1-based): chr19:38,440,744, G>A. VCF-style: chr19-38440744-G-A. GRCh37 (hg19) VCF-style: chr19-38931384-G-A.
Other names: c.46-1G>A (NM_001042723.2).
Identifiers: ClinVar variation 1524261 (VCV001524261.10), dbSNP rs1238479593, ClinGen allele CA405671279.